The following is an entry in ClinVar:

NM_001271.4(CHD2):c.3067-2A>G

Gene: CHD2 (chromodomain helicase DNA binding protein 2; plus strand). Cytogenetic location: 15q26.1.
Variant type: single nucleotide variant.
Coding change: c.3067-2A>G on transcript NM_001271.4 (MANE Select); the canonical splice acceptor site of the intron before coding-DNA position 3067, A replaced by G.
Molecular consequence: splice acceptor variant.
Genome position (GRCh38, 1-based): chr15:92,984,328, A>G. VCF-style: chr15-92984328-A-G. GRCh37 (hg19) VCF-style: chr15-93527558-A-G.
Identifiers: ClinVar variation 280528 (VCV000280528.2), dbSNP rs886041717, ClinGen allele CA10603481.

ClinVar aggregate classification (germline): Pathogenic (1 of 4 stars; one submission).

Allele frequency attached by ClinVar (database versions not stated): gnomAD exomes below 0.00001.
gnomAD v4.1: 1 of 1,571,584 alleles (0.000064%); highest among the groups gnomAD compares: Non-Finnish European, 0.000086%; no homozygotes.

Submission:

GeneDx
Classification: Pathogenic. Last evaluated: 2017-03-24. Review status: criteria provided, single submitter. Criteria: GeneDx Variant Classification (06012015). Collection method: clinical testing. Allele origin: germline. Affected: yes.
Comment: The c.3067-2A>G pathogenic variant in the CHD2 gene has not been reported previously as apathogenic variant nor as a benign variant, to our knowledge. This splice site variant destroys thecanonical splice acceptor site in intron 24. It is predicted to cause abnormal gene splicing, eitherleading to an abnormal message that is subject to nonsense-mediated mRNA decay, or to an abnormalprotein product if the message is used for protein translation. The c.3067-2A>G variant was notobserved in approximately 6500 individuals of European and African American ancestry in theNHLBI Exome Sequencing Project, indicating it is not a common benign variant in these populations.